The following is an entry in ClinVar:

NM_015450.3(POT1):c.949+4A>G

Gene: POT1 (protection of telomeres 1; minus strand). Cytogenetic location: 7q31.33.
Variant type: single nucleotide variant.
Coding change: c.949+4A>G on transcript NM_015450.3 (MANE Select); 4 bases into the intron after coding-DNA position 949, A replaced by G.
Molecular consequence: intron variant.
Genome position (GRCh38, 1-based): chr7:124,851,868, T>C on the plus strand (A>G on the coding strand, the complement: POT1 is on the minus strand). VCF-style: chr7-124851868-T-C. GRCh37 (hg19) VCF-style: chr7-124491922-T-C.
Other names: c.556+4A>G (NM_001042594.2).
Identifiers: ClinVar variation 1767130 (VCV001767130.2), dbSNP rs2485436761, ClinGen allele CA2580076429.
Genomic context (GRCh38, chr7:124,851,868, plus strand): 5'-TTATGTTGATAAAACTATTTTATTTAGCAAGAACTAAACTGTCAATGTTAAAGATTATCC[T>C]TACTTGGAAAGCTGTCGTCAGGTTCTGATTGACAGATAACATCTGAATGCTGATTGGCTG-3'

ClinVar aggregate classification (germline): Uncertain significance (1 of 4 stars; one submission).

Conditions:
Hereditary cancer-predisposing syndrome. Also called: Hereditary Cancer Syndrome; Hereditary neoplastic syndrome; Neoplastic Syndromes, Hereditary; Tumor predisposition. Identifiers: Orphanet 140162, MedGen C0027672, MeSH D009386, MONDO:0015356.

Submission:

Ambry Genetics
Classification: Uncertain significance for Hereditary cancer-predisposing syndrome. Last evaluated: 2021-03-07. Review status: criteria provided, single submitter. Criteria: Ambry Variant Classification Scheme 2023. Collection method: clinical testing. Allele origin: germline.
Comment: The c.949+4A>G intronic variant results from an A to G substitution 4 nucleotides after coding exon 7 in the POT1 gene. This nucleotide position is highly conserved in available vertebrate species. In silico splice site analysis predicts that this alteration may weaken the native splice donor site. Since supporting evidence is limited at this time, the clinical significance of this alteration remains unclear.